The following is an entry in ClinVar:

ClinVar aggregate classification (germline): Uncertain significance (1 of 4 stars; one submission).

gnomAD v4.1: 1 of 1,613,276 alleles (0.000062%); no homozygotes.

Submission:

Labcorp Genetics (formerly Invitae), Labcorp
Classification: Uncertain significance. Last evaluated: 2022-11-14. Review status: criteria provided, single submitter. Criteria: Invitae Variant Classification Sherloc (09022015). Collection method: clinical testing. Allele origin: germline.
Comment: This sequence change replaces tyrosine, which is neutral and polar, with cysteine, which is neutral and slightly polar, at codon 233 of the ACAN protein (p.Tyr233Cys). This variant is not present in population databases (gnomAD no frequency). This variant has not been reported in the literature in individuals affected with ACAN-related conditions. Advanced modeling of protein sequence and biophysical properties (such as structural, functional, and spatial information, amino acid conservation, physicochemical variation, residue mobility, and thermodynamic stability) performed at Invitae indicates that this missense variant is not expected to disrupt ACAN protein function. In summary, the available evidence is currently insufficient to determine the role of this variant in disease. Therefore, it has been classified as a Variant of Uncertain Significance.

NM_001369268.1(ACAN):c.698A>G (p.Tyr233Cys)

Gene: ACAN (aggrecan; plus strand). Cytogenetic location: 15q26.1.
Variant type: single nucleotide variant.
Coding change: c.698A>G on transcript NM_001369268.1 (MANE Select); coding-DNA position 698, A replaced by G.
Protein change: p.Tyr233Cys; replaces tyrosine 233 with cysteine.
Molecular consequence: missense variant.
Genome position (GRCh38, 1-based): chr15:88,841,808, A>G. VCF-style: chr15-88841808-A-G. GRCh37 (hg19) VCF-style: chr15-89385039-A-G.
Other names: c.698A>G, p.Tyr233Cys (NM_001135.4, NM_001411096.1, NM_001411097.1 and 1 more transcripts); short protein forms Y233C.
Identifiers: ClinVar variation 1718933 (VCV001718933.5), dbSNP rs1896668762, ClinGen allele CA393705837.